The following is an entry in ClinVar:

NM_001042492.3(NF1):c.2281G>A (p.Ala761Thr)

Gene: NF1 (neurofibromin 1; plus strand). Cytogenetic location: 17q11.2.
Variant type: single nucleotide variant.
Coding change: c.2281G>A on transcript NM_001042492.3 (MANE Select); coding-DNA position 2281, G replaced by A.
Protein change: p.Ala761Thr; replaces alanine 761 with threonine.
Molecular consequence: missense variant.
Genome position (GRCh38, 1-based): chr17:31,227,247, G>A. VCF-style: chr17-31227247-G-A. GRCh37 (hg19) VCF-style: chr17-29554265-G-A.
Other names: c.2281G>A, p.Ala761Thr (NM_000267.4); short protein forms A761T.
Identifiers: ClinVar variation 821025 (VCV000821025.12), dbSNP rs786202504, ClinGen allele CA289335255.

ClinVar aggregate classification (germline): Uncertain significance. Review status: criteria provided, multiple submitters, no conflicts (2 of 4 stars). 4 submissions from 4 submitters: Uncertain significance (4). Last evaluated 2025-11-25.

Conditions:
Hereditary cancer-predisposing syndrome. Also called: Hereditary Cancer Syndrome; Neoplastic Syndromes, Hereditary; Hereditary neoplastic syndrome; Tumor predisposition. Identifiers: Orphanet 140162, MedGen C0027672, MeSH D009386, MONDO:0015356.
Cardiovascular phenotype. Identifiers: MedGen CN230736.
Neurofibromatosis-Noonan syndrome (NFNS). Also called: NEUROFIBROMATOSIS WITH NOONAN PHENOTYPE. Identifiers: Orphanet 638, MedGen C2931482, MONDO:0011035, OMIM 601321. Disease mechanism: loss of function.
Café-au-lait macules with pulmonary stenosis (WTSN). Also called: PULMONIC STENOSIS WITH CAFE-AU-LAIT SPOTS. Identifiers: MedGen C0553586, MONDO:0008672, OMIM 193520.
Neurofibromatosis, familial spinal (FSNF). Identifiers: Orphanet 636, MedGen C1834235, MONDO:0008078, OMIM 162210. Disease mechanism: loss of function.
Juvenile myelomonocytic leukemia (JMML). Also called: LEUKEMIA, JUVENILE MYELOMONOCYTIC, SOMATIC. Identifiers: Orphanet 86834, MedGen C0349639, MONDO:0011908, OMIM 607785, HP:0012209.
Neurofibromatosis, type 1 (NF1). Also called: Peripheral type neurofibromatosis; Neurofibromatosis, type I; NEUROFIBROMATOSIS, TYPE I, SOMATIC; VON RECKLINGHAUSEN DISEASE. Identifiers: Orphanet 636, MedGen C0027831, MONDO:0018975, OMIM 162200. Disease mechanism: loss of function.

Allele frequency attached by ClinVar (database versions not stated): TOPMed below 0.00001.
gnomAD v4.1: 1 of 1,613,738 alleles (0.000062%); no homozygotes.

Submissions (4):

Ambry Genetics
Classification: Uncertain significance for Cardiovascular phenotype; Hereditary cancer-predisposing syndrome. Last evaluated: 2025-11-25. Review status: criteria provided, single submitter. Criteria: Ambry Variant Classification Scheme 2023. Collection method: clinical testing. Allele origin: germline.
Comment: The p.A761T variant (also known as c.2281G>A), located in coding exon 19 of the NF1 gene, results from a G to A substitution at nucleotide position 2281. The alanine at codon 761 is replaced by threonine, an amino acid with similar properties. This amino acid position is highly conserved in available vertebrate species. In addition, the in silico prediction for this alteration is inconclusive. Since supporting evidence is limited at this time, the clinical significance of this alteration remains unclear.

Labcorp Genetics (formerly Invitae), Labcorp
Classification: Uncertain significance for Neurofibromatosis, type 1. Last evaluated: 2024-10-02. Review status: criteria provided, single submitter. Criteria: Invitae Variant Classification Sherloc (09022015). Collection method: clinical testing. Allele origin: germline.
Comment: This sequence change replaces alanine, which is neutral and non-polar, with threonine, which is neutral and polar, at codon 761 of the NF1 protein (p.Ala761Thr). This variant is not present in population databases (gnomAD no frequency). This variant has not been reported in the literature in individuals affected with NF1-related conditions. ClinVar contains an entry for this variant (Variation ID: 821025). Invitae Evidence Modeling of protein sequence and biophysical properties (such as structural, functional, and spatial information, amino acid conservation, physicochemical variation, residue mobility, and thermodynamic stability) has been performed for this missense variant. However, the output from this modeling did not meet the statistical confidence thresholds required to predict the impact of this variant on NF1 protein function. In summary, the available evidence is currently insufficient to determine the role of this variant in disease. Therefore, it has been classified as a Variant of Uncertain Significance.

Fulgent Genetics
Classification: Uncertain significance for Neurofibromatosis, type 1; Neurofibromatosis, familial spinal; Café-au-lait macules with pulmonary stenosis; Neurofibromatosis-Noonan syndrome; Juvenile myelomonocytic leukemia. Last evaluated: 2022-05-02. Review status: criteria provided, single submitter. Criteria: ACMG Guidelines, 2015. Collection method: clinical testing. Allele origin: unknown.

Genome-Nilou Lab
Classification: Uncertain significance for Neurofibromatosis, type 1. Last evaluated: 2022-03-15. Review status: criteria provided, single submitter. Criteria: ACMG Guidelines, 2015. Collection method: clinical testing. Allele origin: germline. Affected: no.